The following is an entry in ClinVar:

NM_000540.3(RYR1):c.8232-8C>T

Gene: RYR1 (ryanodine receptor 1; plus strand). Cytogenetic location: 19q13.2.
Variant type: single nucleotide variant.
Coding change: c.8232-8C>T on transcript NM_000540.3 (MANE Select); 8 bases into the intron before coding-DNA position 8232, C replaced by T.
Molecular consequence: intron variant.
Genome position (GRCh38, 1-based): chr19:38,504,995, C>T. VCF-style: chr19-38504995-C-T. GRCh37 (hg19) VCF-style: chr19-38995635-C-T.
Other names: c.8232-8C>T (NM_001042723.2).
Identifiers: ClinVar variation 696879 (VCV000696879.13), dbSNP rs985595474, ClinGen allele CA308116677.

ClinVar aggregate classification (germline): Likely benign. Review status: criteria provided, multiple submitters, no conflicts (2 of 4 stars). 4 submissions from 4 submitters: Likely benign (3). 1 of the submissions does not count toward it. Last evaluated 2025-09-17.

Conditions:
RYR1-related disorder. Also called: RYR1-related condition; RYR1-related disorders. Identifiers: MedGen CN239331.
Malignant hyperthermia, susceptibility to, 1 (MHS1). Also called: Anesthesia related hyperthermia; Malignant hyperpyrexia; Fulminating hyperpyrexia; Pharmacogenic myopathy; Malignant hyperthermia suceptibility 1; RYR1-Related Malignant Hyperthermia Susceptibility. Identifiers: Orphanet 423, MedGen C2930980, MONDO:0007783, OMIM 145600.

Allele frequency attached by ClinVar (database versions not stated): gnomAD exomes 0.00001; TOPMed 0.00002; gnomAD 0.00003 and 0.00004.
gnomAD v4.1: 20 of 1,613,996 alleles (0.0012%); highest among the groups gnomAD compares: Non-Finnish European, 0.0015%; no homozygotes.

Submissions (4):

Labcorp Genetics (formerly Invitae), Labcorp
Classification: Likely benign for RYR1-related disorder. Last evaluated: 2025-09-17. Review status: criteria provided, single submitter. Criteria: Invitae Variant Classification Sherloc (09022015). Collection method: clinical testing. Allele origin: germline.

All of Us Research Program, National Institutes of Health
Classification: Likely benign for Malignant hyperthermia, susceptibility to, 1. Last evaluated: 2023-10-30. Review status: criteria provided, single submitter. Criteria: ACMG Guidelines, 2015. Collection method: clinical testing. Allele origin: germline. Inheritance: Autosomal dominant inheritance. Observed: 10 variant alleles, 10 heterozygotes.
Comment: This study involves interpretation of variants in research participants for the purpose of population health screening. Participant phenotype was not available at the time of variant classification. Additional details can be found in publication PMID: 35346344, PMCID: PMC8962531

Color Diagnostics, LLC DBA Color Health
Classification: Likely benign for Malignant hyperthermia, susceptibility to, 1. Last evaluated: 2022-11-17. Review status: criteria provided, single submitter. Criteria: ACMG Guidelines, 2015. Collection method: clinical testing. Allele origin: germline.

PreventionGenetics, part of Exact Sciences
Classification: Likely benign for RYR1-related condition. Last evaluated: 2022-03-09. Review status: no assertion criteria provided. Collection method: clinical testing. Allele origin: germline. Not counted in ClinVar's aggregate classification.
Comment: This variant is classified as likely benign based on ACMG/AMP sequence variant interpretation guidelines (Richards et al. 2015 PMID: 25741868, with internal and published modifications).